The following is an entry in ClinVar:

ClinVar aggregate classification (germline): Uncertain significance (1 of 4 stars; one submission).

Conditions:
Nemaline myopathy 8 (NEM8). Also called: Nemaline myopathy 8, autosomal recessive. Identifiers: Orphanet 171430, MedGen C3809209, MONDO:0014138, OMIM 615348.

Allele frequency attached by ClinVar (database versions not stated): gnomAD exomes below 0.00001; ExAC 0.00001; gnomAD 0.00001; TOPMed 0.00002; ESP Exome Variant Server 0.00008.
gnomAD v4.1: 11 of 1,613,340 alleles (0.00068%); highest among the groups gnomAD compares: Non-Finnish European, 0.00093%; no homozygotes.

Submission:

Labcorp Genetics (formerly Invitae), Labcorp
Classification: Uncertain significance for Nemaline myopathy 8. Last evaluated: 2022-06-04. Review status: criteria provided, single submitter. Criteria: Invitae Variant Classification Sherloc (09022015). Collection method: clinical testing. Allele origin: germline.
Comment: In summary, the available evidence is currently insufficient to determine the role of this variant in disease. Therefore, it has been classified as a Variant of Uncertain Significance. Algorithms developed to predict the effect of missense changes on protein structure and function are either unavailable or do not agree on the potential impact of this missense change (SIFT: "Tolerated"; PolyPhen-2: "Possibly Damaging"; Align-GVGD: "Class C0"). ClinVar contains an entry for this variant (Variation ID: 1433680). This variant has not been reported in the literature in individuals affected with KLHL40-related conditions. This variant is present in population databases (rs370186438, gnomAD 0.002%). This sequence change replaces lysine, which is basic and polar, with asparagine, which is neutral and polar, at codon 253 of the KLHL40 protein (p.Lys253Asn).

NM_152393.4(KLHL40):c.759G>C (p.Lys253Asn)

Gene: KLHL40 (kelch like family member 40; plus strand). Cytogenetic location: 3p22.1.
Variant type: single nucleotide variant.
Coding change: c.759G>C on transcript NM_152393.4 (MANE Select); coding-DNA position 759, G replaced by C.
Protein change: p.Lys253Asn; replaces lysine 253 with asparagine.
Molecular consequence: missense variant.
Genome position (GRCh38, 1-based): chr3:42,686,377, G>C. VCF-style: chr3-42686377-G-C. GRCh37 (hg19) VCF-style: chr3-42727869-G-C.
Other names: short protein forms K253N.
Identifiers: ClinVar variation 1433680 (VCV001433680.6), dbSNP rs370186438, ClinGen allele CA2336726.